The following is an entry in ClinVar:

ClinVar aggregate classification (germline): Uncertain significance (1 of 4 stars; one submission).

Submission:

GeneDx
Classification: Uncertain significance. Last evaluated: 2025-02-03. Review status: criteria provided, single submitter. Criteria: GeneDx Variant Classification Process June 2021. Collection method: clinical testing. Allele origin: germline. Affected: yes.
Comment: Not observed at significant frequency in large population cohorts (gnomAD); In silico analysis indicates that this missense variant does not alter protein structure/function; Has not been previously published as pathogenic or benign to our knowledge

NM_018489.3(ASH1L):c.4156T>G (p.Tyr1386Asp)

Gene: ASH1L (ASH1 like histone lysine methyltransferase; minus strand). Cytogenetic location: 1q22.
Variant type: single nucleotide variant.
Coding change: c.4156T>G on transcript NM_018489.3 (MANE Select); coding-DNA position 4156, T replaced by G.
Protein change: p.Tyr1386Asp; replaces tyrosine 1386 with aspartic acid.
Molecular consequence: missense variant.
Genome position (GRCh38, 1-based): chr1:155,478,714, A>C on the plus strand (T>G on the coding strand, the complement: ASH1L is on the minus strand). VCF-style: chr1-155478714-A-C. GRCh37 (hg19) VCF-style: chr1-155448505-A-C.
Other names: c.4156T>G, p.Tyr1386Asp (NM_001366177.2); short protein forms Y1386D.
Identifiers: ClinVar variation 4072765 (VCV004072765.1).
Genomic context (GRCh38, chr1:155,478,714, plus strand): 5'-GAGGATACCTTCCATAGTAACCTAATCCTATGGGAGCAGCTGTAAGGGGTGAAGGAGAGT[A>C]AGGCATACCATAAGATGGATAGAATCCAGTACTAGAAAGAGGAAAACTAAGGCTGTGCAT-3'
Protein context (NP_060959.2, residues 1376-1396): TGFYPSYGMP[Tyr1386Asp]SPSPLTAAPI